The following is an entry in ClinVar:

NM_001312673.2(PCYT1A):c.60dup (p.Pro21fs)

Gene: PCYT1A (phosphate cytidylyltransferase 1A, choline; minus strand). Cytogenetic location: 3q29.
Variant type: Duplication.
Coding change: c.60dup on transcript NM_001312673.2 (MANE Select); coding-DNA position 60, one base duplicated (A; older notation c.60dupA).
Protein change: p.Pro21fs; shifts the reading frame from proline 21.
Molecular consequence: frameshift variant.
Genome position (GRCh38, 1-based): chr3:196,270,472, T duplicated on the plus strand (A on the coding strand, the reverse complement: PCYT1A is on the minus strand). VCF-style (leftmost placement, unchanged base first): chr3-196270471-G-GT. GRCh37 (hg19) VCF-style: chr3-195997342-G-GT.
Other names: c.60dup, p.Pro21fs (NM_005017.4); c.60dupA (NM_005017.2); c.60dup (NM_005017.2); short protein forms P21fs.
Identifiers: ClinVar variation 450601 (VCV000450601.4), dbSNP rs762145853, ClinGen allele CA2779660.

ClinVar aggregate classification (germline): Likely pathogenic (1 of 4 stars; one submission).

Allele frequency attached by ClinVar (database versions not stated): gnomAD 0.00001; TOPMed below 0.00001; ExAC 0.00001.

Submission:

GeneDx
Classification: Likely pathogenic. Last evaluated: 2023-08-16. Review status: criteria provided, single submitter. Criteria: GeneDx Variant Classification Process June 2021. Collection method: clinical testing. Allele origin: germline. Affected: yes.
Comment: Frameshift variant predicted to result in protein truncation or nonsense mediated decay in a gene for which loss of function is a known mechanism of disease; Not observed at significant frequency in large population cohorts (gnomAD); Has not been previously published as pathogenic or benign in association with a PCYT1A-related disorder to our knowledge; This variant is associated with the following publications: (PMID: 31964843)